The following is an entry in ClinVar:

NM_194248.3(OTOF):c.2375G>A (p.Arg792Gln)

Gene: OTOF (otoferlin; minus strand). Cytogenetic location: 2p23.3.
Variant type: single nucleotide variant.
Coding change: c.2375G>A on transcript NM_194248.3 (MANE Select); coding-DNA position 2375, G replaced by A.
Protein change: p.Arg792Gln; replaces arginine 792 with glutamine.
Molecular consequence: missense variant.
Genome position (GRCh38, 1-based): chr2:26,477,447, C>T on the plus strand (G>A on the coding strand, the complement: OTOF is on the minus strand). VCF-style: chr2-26477447-C-T. GRCh37 (hg19) VCF-style: chr2-26700315-C-T.
Other names: c.2375G>A, p.Arg792Gln (NM_001287489.2); c.134G>A, p.Arg45Gln (NM_004802.4, NM_194323.3); c.305G>A, p.Arg102Gln (NM_194322.3); short protein forms R792Q, R102Q, R45Q.
Identifiers: ClinVar variation 48194 (VCV000048194.40), dbSNP rs144800506, ClinGen allele CA142795.

ClinVar aggregate classification (germline): Conflicting classifications of pathogenicity. Review status: criteria provided, conflicting classifications (1 of 4 stars). 11 submissions from 11 submitters: Uncertain significance (4); Benign (1); Likely benign (5). 1 of the submissions does not count toward it. Last evaluated 2026-03-01.

Conditions:
OTOF-related disorder. Also called: OTOF-related condition.
Autosomal recessive nonsyndromic hearing loss 9. Also called: NEUROSENSORY NONSYNDROMIC RECESSIVE DEAFNESS 9; Deafness, autosomal recessive 9; OTOF-Related Hearing Loss; AUDITORY NEUROPATHY, AUTOSOMAL RECESSIVE, 1, TEMPERATURE-SENSITIVE. Identifiers: Orphanet 90636, MedGen C1832828, MONDO:0010986, OMIM 601071.

Allele frequency attached by ClinVar (database versions not stated): gnomAD 0.00164 and 0.00170; ESP Exome Variant Server 0.00178; TOPMed 0.00196; 1000 Genomes Project 0.00220; 1000 Genomes Project 30x 0.00234.
gnomAD v4.1: 763 of 1,600,004 alleles (0.048%); highest among the groups gnomAD compares: African/African-American, 0.48%; 5 homozygotes.

Submissions (11):

CeGaT Center for Human Genetics Tuebingen
Classification: Likely benign. Last evaluated: 2026-03-01. Review status: criteria provided, single submitter. Criteria: CeGaT Center For Human Genetics Tuebingen Variant Classification Criteria Version 2. Collection method: clinical testing. Allele origin: germline. Affected: yes. Observed: 1 variant allele.
Comment: OTOF: BS2

Labcorp Genetics (formerly Invitae), Labcorp
Classification: Benign. Last evaluated: 2026-01-31. Review status: criteria provided, single submitter. Criteria: Invitae Variant Classification Sherloc (09022015). Collection method: clinical testing. Allele origin: germline.

Blueprint Genetics
Classification: Likely benign. Last evaluated: 2024-10-02. Review status: criteria provided, single submitter. Criteria: ACMG Guidelines, 2015. Collection method: clinical testing. Allele origin: germline.

Women's Health and Genetics/Laboratory Corporation of America, LabCorp
Classification: Likely benign. Last evaluated: 2024-06-20. Review status: criteria provided, single submitter. Criteria: LabCorp Variant Classification Summary - May 2015. Collection method: clinical testing. Allele origin: germline.
Comment: Variant summary: OTOF c.2375G>A (p.Arg792Gln) results in a conservative amino acid change in the encoded protein sequence. Four of five in-silico tools predict a benign effect of the variant on protein function. The variant allele was found at a frequency of 0.00068 in 226462 control chromosomes, predominantly at a frequency of 0.0052 within the African or African-American subpopulation in the gnomAD database, including 2 homozygotes. The observed variant frequency within African or African-American control individuals in the gnomAD database is approximately 5 fold of the estimated maximal expected allele frequency for a pathogenic variant in OTOF causing Nonsyndromic Hearing Loss And Deafness, Type 9 phenotype (0.0011). To our knowledge, no occurrence of c.2375G>A in individuals affected with Nonsyndromic Hearing Loss And Deafness, Type 9 and no experimental evidence demonstrating its impact on protein function have been reported. ClinVar contains an entry for this variant (Variation ID: 48194). Based on the evidence outlined above, the variant was classified as likely benign.

ARUP Laboratories, Molecular Genetics and Genomics, ARUP Laboratories
Classification: Uncertain significance. Last evaluated: 2023-09-21. Review status: criteria provided, single submitter. Criteria: ARUP Molecular Germline Variant Investigation Process 2024. Collection method: clinical testing. Allele origin: germline.
Comment: The OTOF c.2375G>A; p.Arg792Gln variant (rs144800506), to our knowledge, is not reported in the medical literature but is reported in ClinVar (Variation ID: 48194). This variant is found in the African population with an allele frequency of 0.49% (111/22,566 alleles, including 2 homozygotes) in the Genome Aggregation Database. The arginine at codon 792 is moderately conserved, and computational analyses (SIFT: damaging, PolyPhen-2: benign) predict conflicting effects of this variant on protein structure/function. Due to limited information, the clinical significance of the p.Arg792Gln variant is uncertain at this time.

GeneDx
Classification: Likely benign. Last evaluated: 2021-02-08. Review status: criteria provided, single submitter. Criteria: GeneDx Variant Classification Process June 2021. Collection method: clinical testing. Allele origin: germline. Affected: yes.

Illumina Laboratory Services, Illumina
Classification: Uncertain significance for Autosomal recessive nonsyndromic hearing loss 9. Last evaluated: 2018-01-13. Review status: criteria provided, single submitter. Criteria: ICSL Variant Classification Criteria 13 December 2019. Collection method: clinical testing. Allele origin: germline.

Laboratory for Molecular Medicine, Mass General Brigham Personalized Medicine
Classification: Likely benign. Last evaluated: 2017-07-20. Review status: criteria provided, single submitter. Criteria: LMM Criteria. Collection method: clinical testing. Allele origin: germline. Observed: 3 variant alleles.
Comment: p.Arg792Gln in exon 20 of OTOF: This variant is not expected to have clinical si gnificance because it has been identified in 0.5% (111/21722) of African chromos omes including 2 homozygotes by the Genome Aggregation Database (gnomAD; dbSNP rs144800506).

Center for Pediatric Genomic Medicine, Children's Mercy Hospital and Clinics
Classification: Uncertain significance. Last evaluated: 2017-04-11. Review status: criteria provided, single submitter. Criteria: ACMG Guidelines, 2015. Collection method: clinical testing. Allele origin: germline.

Eurofins Ntd Llc (ga)
Classification: Uncertain significance. Last evaluated: 2014-12-10. Review status: criteria provided, single submitter. Criteria: EGL Classification Definitions 2015. Collection method: clinical testing. Allele origin: germline. Observed: 4 variant alleles, 4 heterozygotes.

PreventionGenetics, part of Exact Sciences
Classification: Benign for OTOF-related condition. Last evaluated: 2019-12-11. Review status: no assertion criteria provided. Collection method: clinical testing. Allele origin: germline. Not counted in ClinVar's aggregate classification.
Comment: This variant is classified as benign based on ACMG/AMP sequence variant interpretation guidelines (Richards et al. 2015 PMID: 25741868, with internal and published modifications).